The following is an entry in ClinVar:

NM_053025.4(MYLK):c.5649G>A (p.Lys1883=)

Genes: MYLK (myosin light chain kinase; minus strand), MYLK-AS1 (MYLK antisense RNA 1; plus strand). Cytogenetic location: 3q21.1.
Variant type: single nucleotide variant.
Coding change: c.5649G>A on transcript NM_053025.4 (MANE Select); coding-DNA position 5649, G replaced by A.
Protein change: p.Lys1883=; no amino-acid change (lysine 1883 retained).
Molecular consequence: synonymous variant.
Genome position (GRCh38, 1-based): chr3:123,614,201, C>T on the plus strand (G>A on the coding strand, the complement: MYLK is on the minus strand). VCF-style: chr3-123614201-C-T. GRCh37 (hg19) VCF-style: chr3-123333048-C-T.
Other names: c.5121G>A, p.Lys1707= (NM_001321309.2); c.5442G>A, p.Lys1814= (NM_053026.4); c.5496G>A, p.Lys1832= (NM_053027.4); c.5289G>A, p.Lys1763= (NM_053028.4); c.366G>A, p.Lys122= (NM_053031.4); c.369G>A, p.Lys123= (NM_053032.4).
Identifiers: ClinVar variation 682145 (VCV000682145.11), dbSNP rs748955317, ClinGen allele CA073164.

ClinVar aggregate classification (germline): Likely benign. Review status: criteria provided, multiple submitters, no conflicts (2 of 4 stars). 3 submissions from 3 submitters: Likely benign (3). Last evaluated 2025-08-17.

Conditions:
Familial thoracic aortic aneurysm and aortic dissection (TAAD). Also called: Thoracic aortic aneurysms and dissections. Identifiers: Orphanet 91387, MedGen C4707243, MONDO:0019625.
Aortic aneurysm, familial thoracic 7 (AAT7). Also called: AORTIC DISSECTION, FAMILIAL, WITH OR WITHOUT AORTIC ANEURYSM. Identifiers: MedGen C3151077, MONDO:0013418, OMIM 613780.

Allele frequency attached by ClinVar (database versions not stated): gnomAD 0.00002; gnomAD exomes below 0.00001 and 0.00001; ExAC 0.00001; TOPMed 0.00001.
gnomAD v4.1: 23 of 1,613,972 alleles (0.0014%); highest among the groups gnomAD compares: Non-Finnish European, 0.0018%; no homozygotes.

Submissions (3):

Labcorp Genetics (formerly Invitae), Labcorp
Classification: Likely benign for Aortic aneurysm, familial thoracic 7. Last evaluated: 2025-08-17. Review status: criteria provided, single submitter. Criteria: Invitae Variant Classification Sherloc (09022015). Collection method: clinical testing. Allele origin: germline.

Ambry Genetics
Classification: Likely benign for Familial thoracic aortic aneurysm and aortic dissection. Last evaluated: 2023-06-18. Review status: criteria provided, single submitter. Criteria: Ambry Variant Classification Scheme 2023. Collection method: clinical testing. Allele origin: germline.

GeneDx
Classification: Likely benign. Last evaluated: 2018-04-18. Review status: criteria provided, single submitter. Criteria: GeneDx Variant Classification (06012015). Collection method: clinical testing. Allele origin: germline. Affected: yes.
Comment: This variant is considered likely benign or benign based on one or more of the following criteria: it is a conservative change, it occurs at a poorly conserved position in the protein, it is predicted to be benign by multiple in silico algorithms, and/or has population frequency not consistent with disease.